The following is an entry in ClinVar:

ClinVar aggregate classification (germline): Likely pathogenic (1 of 4 stars; one submission).

Conditions:
Cholestasis, progressive familial intrahepatic, 7, with or without hearing loss. Identifiers: MedGen C5562043, MONDO:0030503, OMIM 619658.

Submission:

Laboratory of Genetic Epidemiology, Research Centre for Medical Genetics
Classification: Likely pathogenic for Cholestasis, progressive familial intrahepatic, 7, with or without hearing loss. Last evaluated: 2023-12-02. Review status: criteria provided, single submitter. Criteria: ACMG Guidelines, 2015. Collection method: clinical testing. Allele origin: maternal. Inheritance: Autosomal recessive inheritance. Affected: yes. Observed: 1 compound heterozygote.
Comment: А deletion of 276 kb of the long arm of chromosome 4 included genes: USP53 (exons 13-19), C4ORF3, FAPB2, LINC01061, GTF2IP12, LOC645513, PDE5A. This variant does not occur in the population-wide DGV database. A similar deletion has been registered in the DECIPHER clinical database, where it is classified as a variant of unknown clinical significance (IDs: 500944). The OMIM database records an autosomal recessive syndrome Cholestasis, progressive familial intrahepatic, 7, with or without hearing loss (# 619658 CHOLESTASIS, PROGRESSIVE FAMILIAL INTRAHEPATIC, 7, WITH OR WITHOUT HEARING LOSS; PFIC7), which is caused by biallelic variants in the USP53 gene (617431). The deletion is located in trans with NM_001371395.1:c.1219A>T, resulting in a premature stop codon p.(Lys407Ter). Taken together, the variant meets the following ACMG/AMP criteria and can be classified as likely pathogenic with PM2, PVS1, and PM3 criteria.

Single allele

Genes: ARLN (allregulin; minus strand), FABP2 (fatty acid binding protein 2; minus strand), PDE5A (phosphodiesterase 5A; minus strand), USP53 (ubiquitin specific peptidase 53; plus strand). Cytogenetic location: 4q26.
Variant type: Deletion.
Identifiers: ClinVar variation 4057271 (VCV004057271.1).